The following is an entry in ClinVar:

NM_000043.6(FAS):c.652-1G>A

Gene: FAS (Fas cell surface death receptor; plus strand). Cytogenetic location: 10q23.31.
Variant type: single nucleotide variant.
Coding change: c.652-1G>A on transcript NM_000043.6 (MANE Select); the canonical splice acceptor site of the intron before coding-DNA position 652, G replaced by A.
Molecular consequence: splice acceptor variant. On other transcripts: intron variant (1).
Genome position (GRCh38, 1-based): chr10:89,013,342, G>A. VCF-style: chr10-89013342-G-A. GRCh37 (hg19) VCF-style: chr10-90773099-G-A.
Other names: c.652-777G>A (NM_152872.4); c.569-1G>A (NM_001320619.2); c.589-1G>A (NM_152871.4); c.697-1G>A (NM_001410956.1).
Identifiers: ClinVar variation 664079 (VCV000664079.3), dbSNP rs1589488463, ClinGen allele CA377509409.
Genomic context (GRCh38, chr10:89,013,342, plus strand): 5'-TAGAATATTCTAAAGATATATTTTTATTTGTCTTTCTCTGCTTCCATTTTTTGCTTTCTA[G>A]GAAACAGTGGCAATAAATTTATCTGGTAAGGCTTTTATCATTTTATTTCATAGAGATGGC-3'

ClinVar aggregate classification (germline): Pathogenic (1 of 4 stars; one submission).

Conditions:
Autoimmune lymphoproliferative syndrome type 1. Also called: AUTOIMMUNE LYMPHOPROLIFERATIVE SYNDROME, TYPE I, AUTOSOMAL DOMINANT. Identifiers: Orphanet 3261, MedGen C2717884, MONDO:0011158, OMIM 601859.

Submission:

Labcorp Genetics (formerly Invitae), Labcorp
Classification: Pathogenic for Autoimmune lymphoproliferative syndrome. Last evaluated: 2025-10-06. Review status: criteria provided, single submitter. Criteria: Invitae Variant Classification Sherloc (09022015). Collection method: clinical testing. Allele origin: germline.
Comment: This sequence change affects an acceptor splice site in intron 7 of the FAS gene. It is expected to disrupt RNA splicing. Variants that disrupt the donor or acceptor splice site typically lead to a loss of protein function (PMID: 16199547), and loss-of-function variants in FAS are known to be pathogenic (PMID: 10875918, 22237435). This variant is not present in population databases (gnomAD no frequency). Disruption of this splice site has been observed in individual(s) with clinical features of autoimmune lymphoproliferative syndrome (internal data). In at least one individual the variant was observed to be de novo. ClinVar contains an entry for this variant (Variation ID: 664079). Algorithms developed to predict the effect of sequence changes on RNA splicing suggest that this variant may disrupt the consensus splice site. For these reasons, this variant has been classified as Pathogenic.

Literature cited by the submitters: PubMed 16199547; PubMed 10875918; PubMed 22237435.